The following is an entry in ClinVar:

ClinVar aggregate classification (germline): Benign/Likely benign. Review status: criteria provided, multiple submitters, no conflicts (2 of 4 stars). 4 submissions from 4 submitters: Benign (1); Likely benign (3). Last evaluated 2026-09-18.

Conditions:
Colorectal cancer, hereditary nonpolyposis, type 7. Identifiers: Orphanet 144, MedGen C1858380, MONDO:0013725, OMIM 614385.

Allele frequency attached by ClinVar (database versions not stated): gnomAD exomes 0.00001; TOPMed 0.00003; ExAC 0.00001; gnomAD 0.00002.
gnomAD v4.1: 6 of 1,613,994 alleles (0.00037%); highest among the groups gnomAD compares: East Asian, 0.0067%; no homozygotes.

Submissions (4):

Myriad Genetics, Inc.
Classification: Benign for Colorectal cancer, hereditary nonpolyposis, type 7. Last evaluated: 2026-09-18. Review status: criteria provided, single submitter. Criteria: Myriad Autosomal Dominant, Autosomal Recessive and X-Linked Classification Criteria (2023). Collection method: clinical testing. Allele origin: unknown.
Comment: This variant is considered benign. This variant is a silent/synonymous amino acid change and it is not expected to impact splicing.

Center for Genomic Medicine, Rigshospitalet, Copenhagen University Hospital
Classification: Likely benign. Last evaluated: 2025-03-04. Review status: criteria provided, single submitter. Criteria: ACMG Guidelines, 2015. Collection method: clinical testing. Allele origin: germline.

Labcorp Genetics (formerly Invitae), Labcorp
Classification: Likely benign for Colorectal cancer, hereditary nonpolyposis, type 7. Last evaluated: 2024-03-09. Review status: criteria provided, single submitter. Criteria: Invitae Variant Classification Sherloc (09022015). Collection method: clinical testing. Allele origin: germline.

Ambry Genetics
Classification: Likely benign. Last evaluated: 2022-09-26. Review status: criteria provided, single submitter. Criteria: Ambry Variant Classification Scheme 2023. Collection method: clinical testing. Allele origin: germline.

NM_001040108.2(MLH3):c.2562G>A (p.Lys854=)

Gene: MLH3 (mutL homolog 3; minus strand). Cytogenetic location: 14q24.3.
Variant type: single nucleotide variant.
Coding change: c.2562G>A on transcript NM_001040108.2 (MANE Select); coding-DNA position 2562, G replaced by A.
Protein change: p.Lys854=; no amino-acid change (lysine 854 retained).
Molecular consequence: synonymous variant.
Genome position (GRCh38, 1-based): chr14:75,047,094, C>T on the plus strand (G>A on the coding strand, the complement: MLH3 is on the minus strand). VCF-style: chr14-75047094-C-T. GRCh37 (hg19) VCF-style: chr14-75513797-C-T.
Other names: c.2562G>A, p.Lys854= (NM_014381.3).
Identifiers: ClinVar variation 1661463 (VCV001661463.13), dbSNP rs778046851, ClinGen allele CA7275683.